The following is an entry in ClinVar:

ClinVar aggregate classification (germline): Pathogenic. Review status: criteria provided, multiple submitters, no conflicts (2 of 4 stars). 3 submissions from 3 submitters: Pathogenic (3). Last evaluated 2025-07-24.

Conditions:
Pheochromocytoma/paraganglioma syndrome 5. Also called: Paragangliomas 5; SDHA-Related Hereditary Paraganglioma-Pheochromocytoma Syndrome. Identifiers: Orphanet 29072, MedGen C3279992, MONDO:0013602, OMIM 614165.
Hereditary cancer-predisposing syndrome. Also called: Hereditary neoplastic syndrome; Neoplastic Syndromes, Hereditary; Tumor predisposition; Hereditary Cancer Syndrome. Identifiers: Orphanet 140162, MedGen C0027672, MeSH D009386, MONDO:0015356.
Mitochondrial complex II deficiency, nuclear type 1. Also called: SUCCINATE CoQ REDUCTASE DEFICIENCY. Identifiers: Orphanet 3208, MedGen C5700310, MONDO:0100294, OMIM 252011.

Submissions (3):

Labcorp Genetics (formerly Invitae), Labcorp
Classification: Pathogenic for Pheochromocytoma/paraganglioma syndrome 5; Mitochondrial complex II deficiency, nuclear type 1. Last evaluated: 2025-07-24. Review status: criteria provided, single submitter. Criteria: Invitae Variant Classification Sherloc (09022015). Collection method: clinical testing. Allele origin: germline.
Comment: This sequence change creates a premature translational stop signal (p.His34Serfs*5) in the SDHA gene. It is expected to result in an absent or disrupted protein product. Loss-of-function variants in SDHA are known to be pathogenic (PMID: 22974104, 24781757). This variant is not present in population databases (gnomAD no frequency). This variant has not been reported in the literature in individuals affected with SDHA-related conditions. ClinVar contains an entry for this variant (Variation ID: 2674422). For these reasons, this variant has been classified as Pathogenic.

Ambry Genetics
Classification: Pathogenic for Hereditary cancer-predisposing syndrome. Last evaluated: 2024-08-29. Review status: criteria provided, single submitter. Criteria: Ambry Variant Classification Scheme 2023. Collection method: clinical testing. Allele origin: germline.
Comment: The c.99dupT pathogenic mutation, located in coding exon 2 of the SDHA gene, results from a duplication of T at nucleotide position 99, causing a translational frameshift with a predicted alternate stop codon (p.H34Sfs*5). This variant is considered to be rare based on population cohorts in the Genome Aggregation Database (gnomAD). This alteration is expected to result in loss of function by premature protein truncation or nonsense-mediated mRNA decay. As such, this alteration is interpreted as a disease-causing mutation.

Myriad Genetics, Inc.
Classification: Pathogenic for Pheochromocytoma/paraganglioma syndrome 5. Last evaluated: 2023-09-19. Review status: criteria provided, single submitter. Criteria: Myriad Autosomal Dominant, Autosomal Recessive and X-Linked Classification Criteria (2023). Collection method: clinical testing. Allele origin: unknown.
Comment: This variant is considered pathogenic. This variant creates a frameshift predicted to result in premature protein truncation.

Literature cited by the submitters: PubMed 22974104 (cited by Labcorp Genetics (formerly Invitae), Labcorp); PubMed 24781757 (cited by Labcorp Genetics (formerly Invitae), Labcorp).

NM_004168.4(SDHA):c.99dup (p.His34fs)

Gene: SDHA (succinate dehydrogenase complex flavoprotein subunit A; plus strand). Cytogenetic location: 5p15.33.
Variant type: Duplication.
Coding change: c.99dup on transcript NM_004168.4 (MANE Select); coding-DNA position 99, one base duplicated (T; older notation c.99dupT).
Protein change: p.His34fs; shifts the reading frame from histidine 34.
Molecular consequence: frameshift variant.
Genome position (GRCh38, 1-based): chr5:223,517, T duplicated; the last of 4 consecutive T bases (chr5:223,514-223,517); duplicating any one gives the same sequence. VCF-style (leftmost placement, unchanged base first): chr5-223513-G-GT. GRCh37 (hg19) VCF-style: chr5-223628-G-GT.
Other names: c.99dupT (NM_004168.2); c.99dup, p.His34fs (NM_001294332.2, NM_001330758.2); short protein forms H34fs.
Identifiers: ClinVar variation 2674422 (VCV002674422.4), dbSNP rs2477280285, ClinGen allele CA2672965122.